The following is an entry in ClinVar:

NM_001243133.2(NLRP3):c.1375G>A (p.Gly459Ser)

Gene: NLRP3 (NLR family pyrin domain containing 3; plus strand). Cytogenetic location: 1q44.
Variant type: single nucleotide variant.
Coding change: c.1375G>A on transcript NM_001243133.2 (MANE Select); coding-DNA position 1375, G replaced by A.
Protein change: p.Gly459Ser; replaces glycine 459 with serine.
Molecular consequence: missense variant.
Genome position (GRCh38, 1-based): chr1:247,424,824, G>A. VCF-style: chr1-247424824-G-A. GRCh37 (hg19) VCF-style: chr1-247588126-G-A.
Other names: c.1375G>A, p.Gly459Ser (NM_001079821.3, NM_001127461.3, NM_001127462.3 and 1 more transcripts); c.1381G>A, p.Gly461Ser (NM_004895.5); short protein forms G459S, G461S.
Identifiers: ClinVar variation 4985701 (VCV004985701.1).

ClinVar aggregate classification (germline): Uncertain significance (1 of 4 stars; one submission).

Conditions:
NLRP3-related disorder. Also called: NLRP3-related condition; NLRP3-Related Disorders.

Submission:

PreventionGenetics, part of Exact Sciences
Classification: Uncertain significance for NLRP3-related condition. Last evaluated: 2025-09-23. Review status: criteria provided, single submitter. Criteria: ACMG Guidelines, 2015. Collection method: clinical testing. Allele origin: germline.
Comment: The NLRP3 c.1381G>A variant is predicted to result in the amino acid substitution p.Gly461Ser. To our knowledge, this variant has not been reported in the literature. This variant is reported in 0.0029% of alleles in individuals of Latino descent in gnomAD. At this time, the clinical significance of this variant is uncertain due to the absence of conclusive functional and genetic evidence.